The following is an entry in ClinVar:

NM_000443.4(ABCB4):c.2802dup (p.His935fs)

Gene: ABCB4 (ATP binding cassette subfamily B member 4; minus strand). Cytogenetic location: 7q21.12.
Variant type: Duplication.
Coding change: c.2802dup on transcript NM_000443.4 (MANE Select); coding-DNA position 2802, one base duplicated (A; older notation c.2802dupA).
Protein change: p.His935fs; shifts the reading frame from histidine 935.
Molecular consequence: frameshift variant. On other transcripts: intron variant (1).
Genome position (GRCh38, 1-based): chr7:87,412,015, T duplicated on the plus strand (A on the coding strand, the reverse complement: ABCB4 is on the minus strand). VCF-style (leftmost placement, unchanged base first): chr7-87412014-G-GT. GRCh37 (hg19) VCF-style: chr7-87041330-G-GT.
Other names: c.2802dup, p.His935fs (NM_018849.3); c.2783+1602dup (NM_018850.3); short protein forms H935fs.
Identifiers: ClinVar variation 4998678 (VCV004998678.1).
Genomic context (GRCh38, chr7:87,412,014, plus strand): 5'-AACCGGCATAGGAAAAATACATAAATGCTTGTGAGATACTAAAAGTAATTCCATAGATGT[G>GT]TGCCTTCTGCACAGAATTCCTGAAAAGCAAATCAGTATACTTGTAACCATCTCTTCAGCC-3'

ClinVar aggregate classification (germline): Uncertain significance (1 of 4 stars; one submission).

Conditions:
ABCB4-related disorder. Also called: ABCB4-related disorders; ABCB4-related condition.

Submission:

PreventionGenetics, part of Exact Sciences
Classification: Uncertain significance for ABCB4-related condition. Last evaluated: 2025-08-05. Review status: criteria provided, single submitter. Criteria: ACMG Guidelines, 2015. Collection method: clinical testing. Allele origin: germline.
Comment: The ABCB4 c.2802dupA variant is predicted to result in a frameshift and premature protein termination (p.His935Thrfs*8). This variant corresponds to a deep intronic position in an alternate transcript for this gene (NM_018850:c.2783+1602dup). To our knowledge, this variant has not been reported in the literature or in a large population database (gnomAD), indicating this variant is rare. At this time, the clinical significance of this variant is uncertain due to the absence of conclusive functional and genetic evidence.